The following is an entry in ClinVar:

NM_002528.7(NTHL1):c.254A>T (p.Gln85Leu)

Gene: NTHL1 (nth like DNA glycosylase 1; minus strand). Cytogenetic location: 16p13.3.
Variant type: single nucleotide variant.
Coding change: c.254A>T on transcript NM_002528.7 (MANE Select); coding-DNA position 254, A replaced by T.
Protein change: p.Gln85Leu; replaces glutamine 85 with leucine.
Molecular consequence: missense variant. On other transcripts: intron variant (1).
Genome position (GRCh38, 1-based): chr16:2,046,228, T>A on the plus strand (A>T on the coding strand, the complement: NTHL1 is on the minus strand). VCF-style: chr16-2046228-T-A. GRCh37 (hg19) VCF-style: chr16-2096229-T-A.
Other names: c.254A>T, p.Gln85Leu (NM_001318193.2); c.24+52A>T (NM_001318194.2); c.278A>T (NM_002528.5); short protein forms Q85L.
Identifiers: ClinVar variation 958632 (VCV000958632.10), dbSNP rs750435227, ClinGen allele CA7828336.
Genomic context (GRCh38, chr16:2,046,228, plus strand): 5'-AGATGGTCCACAGGTGCATCCTTTTTGTTCCTCATGGCACGGATGTTGACCAGCTGTTGC[T>A]GCCAGTCCTGGGGCTCCCAGACTGGCACCTTGAGGGGCTCAGCCCCCTCACCTTTCTCAC-3'
Protein context (NP_002519.2, residues 75-95): KVPVWEPQDW[Gln85Leu]QQLVNIRAMR

ClinVar aggregate classification (germline): Uncertain significance. Review status: criteria provided, multiple submitters, no conflicts (2 of 4 stars). 2 submissions from 2 submitters: Uncertain significance (2). Last evaluated 2024-05-26.

Conditions:
Hereditary cancer-predisposing syndrome. Also called: Tumor predisposition; Hereditary neoplastic syndrome; Neoplastic Syndromes, Hereditary; Hereditary Cancer Syndrome. Identifiers: Orphanet 140162, MedGen C0027672, MeSH D009386, MONDO:0015356.

Allele frequency attached by ClinVar (database versions not stated): gnomAD exomes below 0.00001; ExAC 0.00001.
gnomAD v4.1: 2 of 1,613,252 alleles (0.00012%); highest among the groups gnomAD compares: Non-Finnish European, 0.00017%; no homozygotes.

Submissions (2):

Labcorp Genetics (formerly Invitae), Labcorp
Classification: Uncertain significance. Last evaluated: 2024-05-26. Review status: criteria provided, single submitter. Criteria: Invitae Variant Classification Sherloc (09022015). Collection method: clinical testing. Allele origin: germline.
Comment: This sequence change replaces glutamine, which is neutral and polar, with leucine, which is neutral and non-polar, at codon 93 of the NTHL1 protein (p.Gln93Leu). This variant is present in population databases (rs750435227, gnomAD 0.0009%). This variant has not been reported in the literature in individuals affected with NTHL1-related conditions. ClinVar contains an entry for this variant (Variation ID: 958632). An algorithm developed to predict the effect of missense changes on protein structure and function (PolyPhen-2) suggests that this variant is likely to be tolerated. In summary, the available evidence is currently insufficient to determine the role of this variant in disease. Therefore, it has been classified as a Variant of Uncertain Significance.

Ambry Genetics
Classification: Uncertain significance for Hereditary cancer-predisposing syndrome. Last evaluated: 2023-09-15. Review status: criteria provided, single submitter. Criteria: Ambry Variant Classification Scheme 2023. Collection method: clinical testing. Allele origin: germline.
Comment: The p.Q93L variant (also known as c.278A>T), located in coding exon 2 of the NTHL1 gene, results from an A to T substitution at nucleotide position 278. The glutamine at codon 93 is replaced by leucine, an amino acid with dissimilar properties. This amino acid position is conserved. In addition, this alteration is predicted to be tolerated by in silico analysis. Since supporting evidence is limited at this time, the clinical significance of this alteration remains unclear.